The following is an entry in ClinVar:

NM_002591.4(PCK1):c.962-1G>C

Gene: PCK1 (phosphoenolpyruvate carboxykinase 1; plus strand). Cytogenetic location: 20q13.31.
Variant type: single nucleotide variant.
Coding change: c.962-1G>C on transcript NM_002591.4 (MANE Select); the canonical splice acceptor site of the intron before coding-DNA position 962, G replaced by C.
Molecular consequence: splice acceptor variant.
Genome position (GRCh38, 1-based): chr20:57,564,168, G>C. VCF-style: chr20-57564168-G-C. GRCh37 (hg19) VCF-style: chr20-56139224-G-C.
Identifiers: ClinVar variation 4857466 (VCV004857466.1).

ClinVar aggregate classification (germline): Pathogenic (1 of 4 stars; one submission).

Conditions:
Phosphoenolpyruvate carboxykinase deficiency, cytosolic (PCKDC). Also called: PCK1 DEFICIENCY, CYTOSOLIC; PEPCK DEFICIENCY, CYTOSOLIC. Identifiers: Orphanet 2880, MedGen C5574905, MONDO:0009866, OMIM 261680.

gnomAD v4.1: 50 of 1,608,396 alleles (0.0031%); highest among the groups gnomAD compares: Non-Finnish European, 0.0041%; no homozygotes.

Submission:

Institute of Human Genetics, University of Leipzig Medical Center
Classification: Pathogenic for Phosphoenolpyruvate carboxykinase deficiency, cytosolic. Last evaluated: 2026-05-28. Review status: criteria provided, single submitter. Criteria: ACMG Guidelines, 2015. Collection method: clinical testing. Allele origin: maternal. Inheritance: Autosomal recessive inheritance. Affected: yes.
Comment: Criteria applied: PM2,PP4,PVS1